The following is an entry in ClinVar:

ClinVar aggregate classification (germline): Uncertain significance (1 of 4 stars; one submission).

Conditions:
NIPBL-related disorder. Also called: NIPBL-related condition.

Submission:

PreventionGenetics, part of Exact Sciences
Classification: Uncertain significance for NIPBL-related condition. Last evaluated: 2023-09-06. Review status: criteria provided, single submitter. Criteria: ACMG Guidelines, 2015. Collection method: clinical testing. Allele origin: germline.
Comment: The NIPBL c.5085A>C variant is predicted to result in the amino acid substitution p.Gln1695His. To our knowledge, this variant has not been reported in the literature or in a large population database, indicating this variant is rare. At this time, the clinical significance of this variant is uncertain due to the absence of conclusive functional and genetic evidence.

NM_133433.4(NIPBL):c.5085A>C (p.Gln1695His)

Gene: NIPBL (NIPBL cohesin loading factor; plus strand). Cytogenetic location: 5p13.2.
Variant type: single nucleotide variant.
Coding change: c.5085A>C on transcript NM_133433.4 (MANE Select); coding-DNA position 5085, A replaced by C.
Protein change: p.Gln1695His; replaces glutamine 1695 with histidine.
Molecular consequence: missense variant.
Genome position (GRCh38, 1-based): chr5:37,020,533, A>C. VCF-style: chr5-37020533-A-C. GRCh37 (hg19) VCF-style: chr5-37020635-A-C.
Other names: c.5085A>C, p.Gln1695His (NM_015384.5); short protein forms Q1695H.
Identifiers: ClinVar variation 2631111 (VCV002631111.1), dbSNP rs545623030, ClinGen allele CA359486671.